The following is an entry in ClinVar:

ClinVar aggregate classification (germline): Likely benign (0 of 4 stars; one submission).

Conditions:
TBX3-related disorder. Also called: TBX3-related condition.

gnomAD v4.1: 3 of 1,601,590 alleles (0.00019%); highest among the groups gnomAD compares: Non-Finnish European, 0.00026%; no homozygotes.

Submission:

PreventionGenetics, part of Exact Sciences
Classification: Likely benign for TBX3-related condition. Last evaluated: 2023-11-06. Review status: no assertion criteria provided. Collection method: clinical testing. Allele origin: germline.
Comment: This variant is classified as likely benign based on ACMG/AMP sequence variant interpretation guidelines (Richards et al. 2015 PMID: 25741868, with internal and published modifications).

NM_005996.4(TBX3):c.2040C>T (p.Ser680=)

Gene: TBX3 (T-box transcription factor 3; minus strand). Cytogenetic location: 12q24.21.
Variant type: single nucleotide variant.
Coding change: c.2040C>T on transcript NM_005996.4 (MANE Select); coding-DNA position 2040, C replaced by T.
Protein change: p.Ser680=; no amino-acid change (serine 680 retained).
Molecular consequence: synonymous variant.
Genome position (GRCh38, 1-based): chr12:114,671,973, G>A on the plus strand (C>T on the coding strand, the complement: TBX3 is on the minus strand). VCF-style: chr12-114671973-G-A. GRCh37 (hg19) VCF-style: chr12-115109778-G-A.
Other names: c.2100C>T, p.Ser700= (NM_016569.4).
Identifiers: ClinVar variation 3349393 (VCV003349393.1).